The following is an entry in ClinVar:

NM_001371986.1(UNC80):c.2933G>A (p.Gly978Asp)

Gene: UNC80 (unc-80 subunit of NALCN channel complex; plus strand). Cytogenetic location: 2q34.
Variant type: single nucleotide variant.
Coding change: c.2933G>A on transcript NM_001371986.1 (MANE Select); coding-DNA position 2933, G replaced by A.
Protein change: p.Gly978Asp; replaces glycine 978 with aspartic acid.
Molecular consequence: missense variant.
Genome position (GRCh38, 1-based): chr2:209,834,159, G>A. VCF-style: chr2-209834159-G-A. GRCh37 (hg19) VCF-style: chr2-210698883-G-A.
Other names: c.2933G>A, p.Gly978Asp (NM_032504.2); c.2918G>A, p.Gly973Asp (NM_182587.4); c.2933G>A (NM_032504.1); short protein forms G978D, G973D.
Identifiers: ClinVar variation 1478802 (VCV001478802.9), dbSNP rs960864973, ClinGen allele CA64680628.

ClinVar aggregate classification (germline): Uncertain significance. Review status: criteria provided, multiple submitters, no conflicts (2 of 4 stars). 2 submissions from 2 submitters: Uncertain significance (2). Last evaluated 2025-12-16.

Conditions:
Inborn genetic diseases. Identifiers: MedGen C0950123, MeSH D030342.

Allele frequency attached by ClinVar (database versions not stated): gnomAD exomes below 0.00001; gnomAD 0.00001; TOPMed 0.00002.
gnomAD v4.1: 4 of 1,551,372 alleles (0.00026%); highest among the groups gnomAD compares: Non-Finnish European, 0.00035%; no homozygotes.

Submissions (2):

Ambry Genetics
Classification: Uncertain significance for Inborn genetic diseases. Last evaluated: 2025-12-16. Review status: criteria provided, single submitter. Criteria: Ambry Variant Classification Scheme 2023. Collection method: clinical testing. Allele origin: germline.

Labcorp Genetics (formerly Invitae), Labcorp
Classification: Uncertain significance. Last evaluated: 2022-07-19. Review status: criteria provided, single submitter. Criteria: Invitae Variant Classification Sherloc (09022015). Collection method: clinical testing. Allele origin: germline.
Comment: This sequence change replaces glycine, which is neutral and non-polar, with aspartic acid, which is acidic and polar, at codon 978 of the UNC80 protein (p.Gly978Asp). This variant is not present in population databases (gnomAD no frequency). This variant has not been reported in the literature in individuals affected with UNC80-related conditions. ClinVar contains an entry for this variant (Variation ID: 1478802). Algorithms developed to predict the effect of missense changes on protein structure and function are either unavailable or do not agree on the potential impact of this missense change (SIFT: "Not Available"; PolyPhen-2: "Possibly Damaging"; Align-GVGD: "Not Available"). In summary, the available evidence is currently insufficient to determine the role of this variant in disease. Therefore, it has been classified as a Variant of Uncertain Significance.